The following is an entry in ClinVar:

ClinVar aggregate classification (germline): Pathogenic. Review status: criteria provided, multiple submitters, no conflicts (2 of 4 stars). 5 submissions from 5 submitters: Pathogenic (5). Last evaluated 2025-06-30.

Conditions:
Familial hypokalemia-hypomagnesemia (GTLMNS). Also called: POTASSIUM AND MAGNESIUM DEPLETION; gitelman syndrome; HYPOMAGNESEMIA-HYPOKALEMIA, PRIMARY RENOTUBULAR, WITH HYPOCALCIURIA. Identifiers: Orphanet 358, MedGen C0268450, MONDO:0009904, OMIM 263800.

Allele frequency attached by ClinVar (database versions not stated): TOPMed below 0.00001; ExAC 0.00001; gnomAD 0.00002; gnomAD exomes 0.00002.
gnomAD v4.1: 28 of 1,613,158 alleles (0.0017%); highest among the groups gnomAD compares: East Asian, 0.013%; no homozygotes.

Submissions (5):

Natera, Inc.
Classification: Pathogenic for Gitelman syndrome. Last evaluated: 2025-06-30. Review status: criteria provided, single submitter. Criteria: Natera Variant Classification Schema (03/2026). Collection method: clinical testing. Allele origin: germline.
Comment: The c.2029G>A variant in SLC12A3 is a missense variant predicted to cause substitution of valine to methionine at amino acid 677. This variant is rare in the general population with a frequency below the threshold expected for the associated phenotype(s). This variant has been observed in one or more individuals affected with the associated recessive disease, as either homozygous or compound heterozygous with a second variant (PMID: 30596175). Computational prediction algorithms indicate this variant is likely to affect gene or protein function. Given the available evidence, this variant is classified as Pathogenic.

Victorian Clinical Genetics Services, Murdoch Childrens Research Institute
Classification: Pathogenic for Familial hypokalemia-hypomagnesemia. Last evaluated: 2025-02-25. Review status: criteria provided, single submitter. Criteria: ACMG Guidelines, 2015. Collection method: clinical testing. Allele origin: germline. Affected: yes.
Comment: This variant is classified as Pathogenic. Evidence in support of pathogenic classification: Variant is present in gnomAD <0.01 for a recessive condition (v4: 28 heterozygote(s), 0 homozygote(s)); This variant has strong previous evidence of pathogenicity in unrelated individuals. This variant has been classified as pathogenic by clinical laboratories in ClinVar, and reported in the literature in individuals with Gitelman Syndrome (PMID: 12112667, 33996672, 32542819, 32397528, 17654016, 26920127); Another missense variant comparable to the one identified in this case has limited previous evidence for pathogenicity. p.(Val677Leu) has been been reported in the literature in two related individuals with Gitelman syndrome (PMID: 17654016); Missense variant predicted to be damaging by in silico tool(s) or highly conserved with a major amino acid change. Additional information: Variant is predicted to result in a missense amino acid change from valine to methionine; This variant is heterozygous; This gene is associated with autosomal recessive disease; Alternative amino acid change(s) at the same position are present in gnomAD (Highest allele count: v4: 1 heterozygote(s), 0 homozygote(s)); Variant is located in the annotated solute carrier family 12 domain (DECIPHER); Loss of function is a known mechanism of disease in this gene and is associated with Gitelman syndrome (MIM#263800); Inheritance information for this variant is not currently available in this individual.

Labcorp Genetics (formerly Invitae), Labcorp
Classification: Pathogenic. Last evaluated: 2025-01-20. Review status: criteria provided, single submitter. Criteria: Invitae Variant Classification Sherloc (09022015). Collection method: clinical testing. Allele origin: germline.
Comment: This sequence change replaces valine, which is neutral and non-polar, with methionine, which is neutral and non-polar, at codon 677 of the SLC12A3 protein (p.Val677Met). This variant is present in population databases (rs771326058, gnomAD 0.004%). This missense change has been observed in individual(s) with Gitelman syndrome (PMID: 12112667, 21628937, 30596175). In at least one individual the data is consistent with being in trans (on the opposite chromosome) from a pathogenic variant. ClinVar contains an entry for this variant (Variation ID: 860860). Invitae Evidence Modeling of protein sequence and biophysical properties (such as structural, functional, and spatial information, amino acid conservation, physicochemical variation, residue mobility, and thermodynamic stability) indicates that this missense variant is expected to disrupt SLC12A3 protein function with a positive predictive value of 95%. For these reasons, this variant has been classified as Pathogenic.

Fulgent Genetics
Classification: Pathogenic for Familial hypokalemia-hypomagnesemia. Last evaluated: 2024-06-20. Review status: criteria provided, single submitter. Criteria: ACMG Guidelines, 2015. Collection method: clinical testing. Allele origin: germline.

Women's Health and Genetics/Laboratory Corporation of America, LabCorp
Classification: Pathogenic for Familial hypokalemia-hypomagnesemia. Last evaluated: 2023-05-26. Review status: criteria provided, single submitter. Criteria: LabCorp Variant Classification Summary - May 2015. Collection method: clinical testing. Allele origin: germline.
Comment: Variant summary: SLC12A3 c.2029G>A (p.Val677Met) results in a conservative amino acid change to a highly conserved residue located in the SLC12A transporter, C-terminal (IPR018491) of the encoded protein sequence. Four of five in-silico tools predict a damaging effect of the variant on protein function. The variant allele was found at a frequency of 1.6e-05 in 250930 control chromosomes (gnomAD). c.2029G>A has been reported in the literature in multiple individuals affected with Familial Hypokalemia-Hypomagnesemia (Gitelman syndrome, Fujimura_2019, Syrn_2019, Yagi_2011, Zhang_2021), and several were reported as compound hererozygous with other (likely) pathogenic variants. These data indicate that the variant is very likely to be associated with disease. The following publications have been ascertained in the context of this evaluation (PMID: 12112667, 33996672, 21628937, 30596175). Two clinical diagnostic laboratories have submitted clinical-significance assessments for this variant to ClinVar after 2014, and classified it as pathogenic. Based on the evidence outlined above, the variant was classified as pathogenic.

Literature cited by the submitters: PubMed 30596175 (cited by 3 submitters); PubMed 17654016 (cited by Victorian Clinical Genetics Services, Murdoch Childrens Research Institute); PubMed 32397528 (cited by Victorian Clinical Genetics Services, Murdoch Childrens Research Institute); PubMed 12112667 (cited by 3 submitters); PubMed 33996672 (cited by Victorian Clinical Genetics Services, Murdoch Childrens Research Institute and Women's Health and Genetics/Laboratory Corporation of America, LabCorp); PubMed 26920127 (cited by Victorian Clinical Genetics Services, Murdoch Childrens Research Institute); PubMed 32542819 (cited by Victorian Clinical Genetics Services, Murdoch Childrens Research Institute); PubMed 21628937 (cited by Labcorp Genetics (formerly Invitae), Labcorp and Women's Health and Genetics/Laboratory Corporation of America, LabCorp).

NM_001126108.2(SLC12A3):c.2029G>A (p.Val677Met)

Gene: SLC12A3 (solute carrier family 12 member 3; plus strand). Cytogenetic location: 16q13.
Variant type: single nucleotide variant.
Coding change: c.2029G>A on transcript NM_001126108.2 (MANE Select); coding-DNA position 2029, G replaced by A.
Protein change: p.Val677Met; replaces valine 677 with methionine.
Molecular consequence: missense variant.
Genome position (GRCh38, 1-based): chr16:56,886,467, G>A. VCF-style: chr16-56886467-G-A. GRCh37 (hg19) VCF-style: chr16-56920379-G-A.
Other names: c.2029G>A, p.Val677Met (NM_000339.3); c.2026G>A, p.Val676Met (NM_001126107.2); short protein forms V677M, V676M.
Identifiers: ClinVar variation 860860 (VCV000860860.16), dbSNP rs771326058, ClinGen allele CA8069689.